The following is an entry in ClinVar:

ClinVar aggregate classification (germline): Pathogenic/Likely pathogenic. Review status: criteria provided, multiple submitters, no conflicts (2 of 4 stars). 4 submissions from 4 submitters: Pathogenic (2); Likely pathogenic (1). 1 of the submissions does not count toward it. Last evaluated 2025-10-10.

Conditions:
Familial long QT syndrome (RWS). Also called: Congenital long QT syndrome; Romano-Ward syndrome; VENTRICULAR FIBRILLATION WITH PROLONGED QT INTERVAL. Identifiers: Orphanet 768, MedGen C1141890, MONDO:0019171.
Long QT syndrome (LQTS). Identifiers: MedGen C0023976, MeSH D008133, MONDO:0002442. Disease mechanism: loss of function. Inheritance: Various modes of inheritance.
Primary familial hypertrophic cardiomyopathy (HCM). Identifiers: Orphanet 99739, MedGen C0949658, MeSH D024741, MONDO:0024573. Inheritance: Various modes of inheritance.

Submissions (4):

Labcorp Genetics (formerly Invitae), Labcorp
Classification: Pathogenic for Long QT syndrome. Last evaluated: 2025-10-10. Review status: criteria provided, single submitter. Criteria: Invitae Variant Classification Sherloc (09022015). Collection method: clinical testing. Allele origin: germline.
Comment: This sequence change replaces serine, which is neutral and polar, with asparagine, which is neutral and polar, at codon 621 of the KCNH2 protein (p.Ser621Asn). This variant is not present in population databases (gnomAD no frequency). This missense change has been observed in individuals with clinical features of long QT syndrome (PMID: 11222472, 14998624, 24606995, 36861347; internal data). ClinVar contains an entry for this variant (Variation ID: 67299). An algorithm developed to predict the effect of missense changes on protein structure and function (PolyPhen-2) suggests that this variant is likely to be disruptive. Experimental studies have shown that this missense change affects KCNH2 function (PMID: 25417810). This variant disrupts the p.Ser621 amino acid residue in KCNH2. Other variant(s) that disrupt this residue have been observed in individuals with KCNH2-related conditions (PMID: 20167303), which suggests that this may be a clinically significant amino acid residue. For these reasons, this variant has been classified as Pathogenic.

Revvity Omics, Revvity
Classification: Pathogenic. Last evaluated: 2019-10-10. Review status: criteria provided, single submitter. Criteria: ACMG Guidelines, 2015. Collection method: clinical testing. Allele origin: germline.

Molecular Diagnostic Laboratory for Inherited Cardiovascular Disease, Montreal Heart Institute
Classification: Likely pathogenic for Primary familial hypertrophic cardiomyopathy. Review status: criteria provided, single submitter. Criteria: ACMG Guidelines, 2015. Collection method: clinical testing. Allele origin: germline. Affected: yes.

Cardiovascular Biomedical Research Unit, Royal Brompton & Harefield NHS Foundation Trust
No classification provided. Condition: Familial long QT syndrome. Review status: no classification provided. Collection method: literature only. Allele origin: germline. Not counted in ClinVar's aggregate classification.
Comment: This variant has been reported as associated with Long QT syndrome in the following publications (PMID:11222472;PMID:11468227;PMID:11668638;PMID:14998624). This is a literature report, and does not necessarily reflect the clinical interpretation of the Imperial College / Royal Brompton Cardiovascular Genetics laboratory.

Literature cited by the submitters: PubMed 11222472 (cited by Labcorp Genetics (formerly Invitae), Labcorp and Cardiovascular Biomedical Research Unit, Royal Brompton & Harefield NHS Foundation Trust); PubMed 14998624 (cited by Labcorp Genetics (formerly Invitae), Labcorp and Cardiovascular Biomedical Research Unit, Royal Brompton & Harefield NHS Foundation Trust); PubMed 24606995 (cited by Labcorp Genetics (formerly Invitae), Labcorp); PubMed 36861347 (cited by Labcorp Genetics (formerly Invitae), Labcorp); PubMed 25417810 (cited by Labcorp Genetics (formerly Invitae), Labcorp); PubMed 20167303 (cited by Labcorp Genetics (formerly Invitae), Labcorp); PubMed 11468227 (cited by Cardiovascular Biomedical Research Unit, Royal Brompton & Harefield NHS Foundation Trust); PubMed 11668638 (cited by Cardiovascular Biomedical Research Unit, Royal Brompton & Harefield NHS Foundation Trust); PubMed 22581653 (cited by Cardiovascular Biomedical Research Unit, Royal Brompton & Harefield NHS Foundation Trust).

NM_000238.4(KCNH2):c.1862G>A (p.Ser621Asn)

Gene: KCNH2 (potassium voltage-gated channel subfamily H member 2; minus strand). Cytogenetic location: 7q36.1.
Variant type: single nucleotide variant.
Coding change: c.1862G>A on transcript NM_000238.4 (MANE Select); coding-DNA position 1862, G replaced by A.
Protein change: p.Ser621Asn; replaces serine 621 with asparagine.
Molecular consequence: missense variant.
Genome position (GRCh38, 1-based): chr7:150,951,531, C>T on the plus strand (G>A on the coding strand, the complement: KCNH2 is on the minus strand). VCF-style: chr7-150951531-C-T. GRCh37 (hg19) VCF-style: chr7-150648619-C-T.
Other names: c.1862G>A (LRG_288t1); c.842G>A, p.Ser281Asn (NM_001204798.2, NM_172057.3); c.1574G>A, p.Ser525Asn (NM_001406753.1, NM_001406756.1); c.1685G>A, p.Ser562Asn (NM_001406755.1); c.1562G>A, p.Ser521Asn (NM_001406757.1); c.1862G>A, p.Ser621Asn (NM_172056.3); short protein forms S281N, S621N, S521N, S562N, S525N.
Identifiers: ClinVar variation 67299 (VCV000067299.17), dbSNP rs199472948, ClinGen allele CA005703.